The following is an entry in ClinVar:

NM_000089.4(COL1A2):c.2783G>T (p.Gly928Val)

Gene: COL1A2 (collagen type I alpha 2 chain; plus strand). Cytogenetic location: 7q21.3.
Variant type: single nucleotide variant.
Coding change: c.2783G>T on transcript NM_000089.4 (MANE Select); coding-DNA position 2783, G replaced by T.
Protein change: p.Gly928Val; replaces glycine 928 with valine.
Molecular consequence: missense variant.
Genome position (GRCh38, 1-based): chr7:94,425,611, G>T. VCF-style: chr7-94425611-G-T. GRCh37 (hg19) VCF-style: chr7-94054923-G-T.
Other names: short protein forms G928V.
Identifiers: ClinVar variation 3236266 (VCV003236266.1), dbSNP rs2484734377, ClinGen allele CA368224609.

ClinVar aggregate classification (germline): Likely pathogenic (1 of 4 stars; one submission).

Conditions:
Osteogenesis imperfecta with normal sclerae, dominant form (OI4). Also called: OSTEOGENESIS IMPERFECTA, TYPE IV, WITH DENTINOGENESIS IMPERFECTA; Common Variable Osteogenesis Imperfecta with Normal Sclerae; Osteogenesis imperfecta type 4; OSTEOGENESIS IMPERFECTA WITH NORMAL SCLERAE; Osteogenesis Imperfecta Type IV. Identifiers: Orphanet 216820, Orphanet 666, MedGen C0268363, MONDO:0008148, OMIM 166220.

Submission:

MVZ Medizinische Genetik Mainz
Classification: Likely pathogenic for Osteogenesis imperfecta with normal sclerae, dominant form. Last evaluated: 2024-02-29. Review status: criteria provided, single submitter. Criteria: UK Practice Guidelines For Variant Classification V4 01 2020. Collection method: clinical testing. Allele origin: germline. Inheritance: Autosomal dominant inheritance. Affected: yes. Observed: 1 variant allele.
Comment: ACMG Criteria: PP3_STR,PM2_SUP,PM5_SUP